The following is an entry in ClinVar:

NM_206933.4(USH2A):c.9440G>A (p.Trp3147Ter)

Gene: USH2A (usherin; minus strand). Cytogenetic location: 1q41.
Variant type: single nucleotide variant.
Coding change: c.9440G>A on transcript NM_206933.4 (MANE Select); coding-DNA position 9440, G replaced by A.
Protein change: p.Trp3147Ter; replaces tryptophan 3147 with a stop codon.
Molecular consequence: nonsense.
Genome position (GRCh38, 1-based): chr1:215,817,127, C>T on the plus strand (G>A on the coding strand, the complement: USH2A is on the minus strand). VCF-style: chr1-215817127-C-T. GRCh37 (hg19) VCF-style: chr1-215990469-C-T.
Other names: short protein forms W3147*.
Identifiers: ClinVar variation 1423866 (VCV001423866.8), dbSNP rs1662880811, ClinGen allele CA344825133.

ClinVar aggregate classification (germline): Pathogenic/Likely pathogenic. Review status: criteria provided, multiple submitters, no conflicts (2 of 4 stars). 4 submissions from 4 submitters: Pathogenic (1); Likely pathogenic (3). Last evaluated 2024-03-05.

Conditions:
Retinitis pigmentosa 39 (RP39). Identifiers: Orphanet 791, MedGen C3151138, MONDO:0013436, OMIM 613809.
Usher syndrome type 2A. Also called: RETINAL DISEASE IN USHER SYNDROME TYPE IIA, MODIFIER OF; USHER SYNDROME, TYPE IIA. Identifiers: Orphanet 231178, Orphanet 886, MedGen C1848634, MONDO:0010169, OMIM 276901.
Usher syndrome. Also called: Usher Syndromes; Usher's syndrome. Identifiers: Orphanet 886, MedGen CN469326, MeSH D052245, MONDO:0019501. Disease mechanism: loss of function.

Allele frequency attached by ClinVar (database versions not stated): gnomAD exomes below 0.00001; TOPMed below 0.00001.
gnomAD v4.1: 1 of 1,612,808 alleles (0.000062%); highest among the groups gnomAD compares: East Asian, 0.0022%; no homozygotes.

Submissions (4):

Fulgent Genetics
Classification: Likely pathogenic for Usher syndrome type 2A; Retinitis pigmentosa 39. Last evaluated: 2024-03-05. Review status: criteria provided, single submitter. Criteria: ACMG Guidelines, 2015. Collection method: clinical testing. Allele origin: germline.

Genome-Nilou Lab
Classification: Likely pathogenic for Usher syndrome type 2A. Last evaluated: 2023-11-04. Review status: criteria provided, single submitter. Criteria: ACMG Guidelines, 2015. Collection method: clinical testing. Allele origin: germline. Affected: no.

Labcorp Genetics (formerly Invitae), Labcorp
Classification: Pathogenic. Last evaluated: 2023-02-04. Review status: criteria provided, single submitter. Criteria: Invitae Variant Classification Sherloc (09022015). Collection method: clinical testing. Allele origin: germline.
Comment: For these reasons, this variant has been classified as Pathogenic. ClinVar contains an entry for this variant (Variation ID: 1423866). This variant has not been reported in the literature in individuals affected with USH2A-related conditions. This variant is not present in population databases (gnomAD no frequency). This sequence change creates a premature translational stop signal (p.Trp3147*) in the USH2A gene. It is expected to result in an absent or disrupted protein product. Loss-of-function variants in USH2A are known to be pathogenic (PMID: 10729113, 10909849, 20507924, 25649381).

Women's Health and Genetics/Laboratory Corporation of America, LabCorp
Classification: Likely pathogenic for Usher syndrome. Last evaluated: 2022-04-14. Review status: criteria provided, single submitter. Criteria: LabCorp Variant Classification Summary - May 2015. Collection method: clinical testing. Allele origin: germline.
Comment: Variant summary: USH2A c.9440G>A (p.Trp3147X) results in a premature termination codon, predicted to cause a truncation of the encoded protein or absence of the protein due to nonsense mediated decay, which are commonly known mechanisms for disease. Truncations downstream of this position have been classified as pathogenic by our laboratory. The variant was absent in 250278 control chromosomes. To our knowledge, no occurrence of c.9440G>A in individuals affected with Usher Syndrome and no experimental evidence demonstrating its impact on protein function have been reported. One clinical diagnostic laboratory has submitted clinical-significance assessments for this variant to ClinVar after 2014 without evidence for independent evaluation. One laboratory classified the variant as pathogenic. Based on the evidence outlined above, the variant was classified as likely pathogenic.

Literature cited by the submitters: PubMed 10729113 (cited by Labcorp Genetics (formerly Invitae), Labcorp); PubMed 10909849 (cited by Labcorp Genetics (formerly Invitae), Labcorp); PubMed 20507924 (cited by Labcorp Genetics (formerly Invitae), Labcorp); PubMed 25649381 (cited by Labcorp Genetics (formerly Invitae), Labcorp).